The following is an entry in ClinVar:

NM_001134363.3(RBM20):c.2288A>G (p.Glu763Gly)

Gene: RBM20 (RNA binding motif protein 20; plus strand). Cytogenetic location: 10q25.2.
Variant type: single nucleotide variant.
Coding change: c.2288A>G on transcript NM_001134363.3 (MANE Select); coding-DNA position 2288, A replaced by G.
Protein change: p.Glu763Gly; replaces glutamic acid 763 with glycine.
Molecular consequence: missense variant.
Genome position (GRCh38, 1-based): chr10:110,812,685, A>G. VCF-style: chr10-110812685-A-G. GRCh37 (hg19) VCF-style: chr10-112572443-A-G.
Other names: short protein forms E763G.
Identifiers: ClinVar variation 2903523 (VCV002903523.4), dbSNP rs1339069600, ClinGen allele CA378373207.

ClinVar aggregate classification (germline): Conflicting classifications of pathogenicity. Review status: criteria provided, conflicting classifications (1 of 4 stars). 2 submissions from 2 submitters: Uncertain significance (1); Likely benign (1). Last evaluated 2025-12-19.

Conditions:
Cardiovascular phenotype. Identifiers: MedGen CN230736.
Dilated cardiomyopathy 1DD (CMD1DD). Identifiers: Orphanet 154, MedGen C2750995, MONDO:0013168, OMIM 613172.

Allele frequency attached by ClinVar (database versions not stated): TOPMed below 0.00001; gnomAD 0.00001.
gnomAD v4.1: 5 of 1,551,630 alleles (0.00032%); highest among the groups gnomAD compares: Admixed American, 0.0098%; no homozygotes.

Submissions (2):

Labcorp Genetics (formerly Invitae), Labcorp
Classification: Likely benign for Dilated cardiomyopathy 1DD. Last evaluated: 2025-12-19. Review status: criteria provided, single submitter. Criteria: Invitae Variant Classification Sherloc (09022015). Collection method: clinical testing. Allele origin: germline.

Ambry Genetics
Classification: Uncertain significance for Cardiovascular phenotype. Last evaluated: 2023-10-02. Review status: criteria provided, single submitter. Criteria: Ambry Variant Classification Scheme 2023. Collection method: clinical testing. Allele origin: germline.
Comment: The p.E763G variant (also known as c.2288A>G), located in coding exon 9 of the RBM20 gene, results from an A to G substitution at nucleotide position 2288. The glutamic acid at codon 763 is replaced by glycine, an amino acid with similar properties. This amino acid position is conserved. In addition, this alteration is predicted to be tolerated by in silico analysis. Since supporting evidence is limited at this time, the clinical significance of this alteration remains unclear.